The following is an entry in ClinVar:

NM_182961.4(SYNE1):c.7795T>G (p.Ser2599Ala)

Gene: SYNE1 (spectrin repeat containing nuclear envelope protein 1; minus strand). Cytogenetic location: 6q25.2.
Variant type: single nucleotide variant.
Coding change: c.7795T>G on transcript NM_182961.4 (MANE Select); coding-DNA position 7795, T replaced by G.
Protein change: p.Ser2599Ala; replaces serine 2599 with alanine.
Molecular consequence: missense variant.
Genome position (GRCh38, 1-based): chr6:152,391,486, A>C on the plus strand (T>G on the coding strand, the complement: SYNE1 is on the minus strand). VCF-style: chr6-152391486-A-C. GRCh37 (hg19) VCF-style: chr6-152712621-A-C.
Other names: c.7816T>G, p.Ser2606Ala (NM_033071.5); short protein forms S2599A, S2606A.
Identifiers: ClinVar variation 1698297 (VCV001698297.2), dbSNP rs2154133962, ClinGen allele CA366109179.

ClinVar aggregate classification (germline): Uncertain significance (1 of 4 stars; one submission).

Submission:

GeneDx
Classification: Uncertain significance. Last evaluated: 2022-01-18. Review status: criteria provided, single submitter. Criteria: GeneDx Variant Classification Process June 2021. Collection method: clinical testing. Allele origin: germline. Affected: yes.
Comment: Not observed at significant frequency in large population cohorts (gnomAD); In silico analysis supports that this missense variant does not alter protein structure/function; Has not been previously published as pathogenic or benign to our knowledge